The following is an entry in ClinVar:

NM_000834.5(GRIN2B):c.1335_1338del (p.Asp447fs)

Gene: GRIN2B (glutamate ionotropic receptor NMDA type subunit 2B; minus strand). Cytogenetic location: 12p13.1.
Variant type: Deletion.
Coding change: c.1335_1338del on transcript NM_000834.5 (MANE Select); coding-DNA positions 1335 to 1338, 4 bases deleted (AACA; older notation c.1335_1338delAACA).
Protein change: p.Asp447fs; shifts the reading frame from aspartic acid 447.
Molecular consequence: frameshift variant.
Genome position (GRCh38, 1-based): chr12:13,615,655-13,615,658, TGTT deleted on the plus strand (AACA on the coding strand, the reverse complement: GRIN2B is on the minus strand); deleting any 4 consecutive bases within chr12:13,615,655-13,615,659 gives the same sequence; the c. name uses the placement nearest the transcript's 3' end. VCF-style (leftmost placement, unchanged base first): chr12-13615654-CTGTT-C. GRCh37 (hg19) VCF-style: chr12-13768588-CTGTT-C.
Other names: c.1335_1338del, p.Asp447fs (NM_001413992.1); short protein forms D447fs.
Identifiers: ClinVar variation 3062093 (VCV003062093.1), dbSNP rs2497600093, ClinGen allele CA2740092332.

ClinVar aggregate classification (germline): Pathogenic (1 of 4 stars; one submission).

Conditions:
Intellectual developmental disorder, autosomal dominant 6, with or without seizures. Also called: GRIN2B-related developmental delay, intellectual disability and autism spectrum disorder; Intellectual disability, autosomal dominant 6. Identifiers: Orphanet 589547, MedGen C3151411, MONDO:0013509, OMIM 613970.

Submission:

Illumina Laboratory Services, Illumina
Classification: Pathogenic for Intellectual developmental disorder, autosomal dominant 6, with or without seizures. Last evaluated: 2019-04-22. Review status: criteria provided, single submitter. Criteria: ICSLVariantClassificationCriteria RUGD 01 April 2020. Collection method: clinical testing. Allele origin: unknown.
Comment: The GRIN2B c.1335_1338delAACA p(.Asp447ArgfsTer25) variant causes a shift in the protein reading frame that is predicted to result in premature termination of the protein. Loss of normal protein function through either protein truncation or nonsense-mediated mRNA decay is expected. To our knowledge, this variant has not been reported in the peer-reviewed literature. This variant is not observed in version 2.1.1 of the Genome Aggregation Database. Based on the available evidence, the c.1335_1338delAACA p(.Asp447ArgfsTer25 variant is classified as pathogenic for intellectual developmental disorder, autosomal dominant 6, with or without seizures.